The following is an entry in ClinVar:

ClinVar aggregate classification (germline): Uncertain significance (1 of 4 stars; one submission).

gnomAD v4.1: 11 of 1,613,994 alleles (0.00068%); highest among the groups gnomAD compares: South Asian, 0.0033%; no homozygotes.

Submission:

Labcorp Genetics (formerly Invitae), Labcorp
Classification: Uncertain significance. Last evaluated: 2025-08-25. Review status: criteria provided, single submitter. Criteria: Invitae Variant Classification Sherloc (09022015). Collection method: clinical testing. Allele origin: germline.
Comment: This sequence change replaces proline, which is neutral and non-polar, with arginine, which is basic and polar, at codon 318 of the CDH2 protein (p.Pro318Arg). This variant is present in population databases (rs779651386, gnomAD 0.0009%). This variant has not been reported in the literature in individuals affected with CDH2-related conditions. An algorithm developed to predict the effect of missense changes on protein structure and function (PolyPhen-2) suggests that this variant is likely to be disruptive. In summary, the available evidence is currently insufficient to determine the role of this variant in disease. Therefore, it has been classified as a Variant of Uncertain Significance.

NM_001792.5(CDH2):c.953C>G (p.Pro318Arg)

Gene: CDH2 (cadherin 2; minus strand). Cytogenetic location: 18q12.1.
Variant type: single nucleotide variant.
Coding change: c.953C>G on transcript NM_001792.5 (MANE Select); coding-DNA position 953, C replaced by G.
Protein change: p.Pro318Arg; replaces proline 318 with arginine.
Molecular consequence: missense variant.
Genome position (GRCh38, 1-based): chr18:28,003,064, G>C on the plus strand (C>G on the coding strand, the complement: CDH2 is on the minus strand). VCF-style: chr18-28003064-G-C. GRCh37 (hg19) VCF-style: chr18-25583028-G-C.
Other names: c.860C>G, p.Pro287Arg (NM_001308176.2); short protein forms P318R, P287R.
Identifiers: ClinVar variation 4760133 (VCV004760133.1).
Genomic context (GRCh38, chr18:28,003,064, plus strand): 5'-TCAAGTCCAGCTGCCACTGTGATGATGTCACCAGTCTCATTGTTGATTGTAAACATGTTG[G>C]GTGAAGGGGTGCTTGGAGCCTGAGACACGATTCTGTACCTCAACATCCCATTGAGGGCAT-3'
Protein context (NP_001783.2, residues 308-328): IVSQAPSTPS[Pro318Arg]NMFTINNETG